The following is an entry in ClinVar:

ClinVar aggregate classification (germline): Uncertain significance (1 of 4 stars; one submission).

Submission:

Labcorp Genetics (formerly Invitae), Labcorp
Classification: Uncertain significance. Last evaluated: 2024-12-02. Review status: criteria provided, single submitter. Criteria: Invitae Variant Classification Sherloc (09022015). Collection method: clinical testing. Allele origin: germline.
Comment: This sequence change replaces alanine, which is neutral and non-polar, with glycine, which is neutral and non-polar, at codon 554 of the MAGEL2 protein (p.Ala554Gly). This variant is not present in population databases (gnomAD no frequency). This variant has not been reported in the literature in individuals affected with MAGEL2-related conditions. ClinVar contains an entry for this variant (Variation ID: 2005097). Invitae Evidence Modeling of protein sequence and biophysical properties (such as structural, functional, and spatial information, amino acid conservation, physicochemical variation, residue mobility, and thermodynamic stability) indicates that this missense variant is not expected to disrupt MAGEL2 protein function with a negative predictive value of 80%. In summary, the available evidence is currently insufficient to determine the role of this variant in disease. Therefore, it has been classified as a Variant of Uncertain Significance.

NM_019066.5(MAGEL2):c.1661C>G (p.Ala554Gly)

Gene: MAGEL2 (MAGE family member L2; minus strand). Cytogenetic location: 15q11.2.
Variant type: single nucleotide variant.
Coding change: c.1661C>G on transcript NM_019066.5 (MANE Select); coding-DNA position 1661, C replaced by G.
Protein change: p.Ala554Gly; replaces alanine 554 with glycine.
Molecular consequence: missense variant.
Genome position (GRCh38, 1-based): chr15:23,646,082, G>C on the plus strand (C>G on the coding strand, the complement: MAGEL2 is on the minus strand). VCF-style: chr15-23646082-G-C. GRCh37 (hg19) VCF-style: chr15-23891229-G-C.
Other names: short protein forms A554G.
Identifiers: ClinVar variation 2005097 (VCV002005097.4), dbSNP rs1480998706, ClinGen allele CA391333583.